The following is an entry in ClinVar:

NM_001041.4(SI):c.4794T>G (p.His1598Gln)

Gene: SI (sucrase-isomaltase; minus strand). Cytogenetic location: 3q26.1.
Variant type: single nucleotide variant.
Coding change: c.4794T>G on transcript NM_001041.4 (MANE Select); coding-DNA position 4794, T replaced by G.
Protein change: p.His1598Gln; replaces histidine 1598 with glutamine.
Molecular consequence: missense variant.
Genome position (GRCh38, 1-based): chr3:164,994,304, A>C on the plus strand (T>G on the coding strand, the complement: SI is on the minus strand). VCF-style: chr3-164994304-A-C. GRCh37 (hg19) VCF-style: chr3-164712092-A-C.
Other names: short protein forms H1598Q.
Identifiers: ClinVar variation 1398813 (VCV001398813.5), dbSNP rs144187804, ClinGen allele CA86492460.

ClinVar aggregate classification (germline): Uncertain significance (1 of 4 stars; one submission).

Allele frequency attached by ClinVar (database versions not stated): ESP Exome Variant Server 0.00008.
gnomAD v4.1: 2 of 1,611,334 alleles (0.00012%); highest among the groups gnomAD compares: Non-Finnish European, 0.00017%; no homozygotes.

Submission:

Labcorp Genetics (formerly Invitae), Labcorp
Classification: Uncertain significance. Last evaluated: 2022-01-04. Review status: criteria provided, single submitter. Criteria: Invitae Variant Classification Sherloc (09022015). Collection method: clinical testing. Allele origin: germline.
Comment: This sequence change replaces histidine, which is basic and polar, with glutamine, which is neutral and polar, at codon 1598 of the SI protein (p.His1598Gln). This variant is not present in population databases (gnomAD no frequency). This variant has not been reported in the literature in individuals affected with SI-related conditions. Algorithms developed to predict the effect of missense changes on protein structure and function are either unavailable or do not agree on the potential impact of this missense change (SIFT: "Tolerated"; PolyPhen-2: "Probably Damaging"; Align-GVGD: "Class C0"). Algorithms developed to predict the effect of sequence changes on RNA splicing suggest that this variant may create or strengthen a splice site. In summary, the available evidence is currently insufficient to determine the role of this variant in disease. Therefore, it has been classified as a Variant of Uncertain Significance.